The following is an entry in ClinVar:

ClinVar aggregate classification (germline): Uncertain significance (1 of 4 stars; one submission).

Conditions:
Renal cell carcinoma. Identifiers: Orphanet 217071, MedGen C0007134, MeSH D002292, MONDO:0005086, HP:0005584.

Submission:

Labcorp Genetics (formerly Invitae), Labcorp
Classification: Uncertain significance for Renal cell carcinoma. Last evaluated: 2024-08-21. Review status: criteria provided, single submitter. Criteria: Invitae Variant Classification Sherloc (09022015). Collection method: clinical testing. Allele origin: germline.
Comment: This sequence change creates a premature translational stop signal (p.Cys26*) in the MET gene. It is expected to result in an absent or disrupted protein product. However, the current clinical and genetic evidence is not sufficient to establish whether loss-of-function variants in MET cause disease. This variant is not present in population databases (gnomAD no frequency). This variant has not been reported in the literature in individuals affected with MET-related conditions. In summary, the available evidence is currently insufficient to determine the role of this variant in disease. Therefore, it has been classified as a Variant of Uncertain Significance.

NM_000245.4(MET):c.78T>A (p.Cys26Ter)

Gene: MET (MET proto-oncogene, receptor tyrosine kinase; plus strand). Cytogenetic location: 7q31.2.
Variant type: single nucleotide variant.
Coding change: c.78T>A on transcript NM_000245.4 (MANE Select); coding-DNA position 78, T replaced by A.
Protein change: p.Cys26Ter; replaces cysteine 26 with a stop codon.
Molecular consequence: nonsense. On other transcripts: intron variant (1).
Genome position (GRCh38, 1-based): chr7:116,699,162, T>A. VCF-style: chr7-116699162-T-A. GRCh37 (hg19) VCF-style: chr7-116339216-T-A.
Other names: c.78T>A, p.Cys26Ter (NM_001127500.3, NM_001324401.3); c.-91+26585T>A (NM_001324402.2); short protein forms C26*.
Identifiers: ClinVar variation 3663182 (VCV003663182.2).
Genomic context (GRCh38, chr7:116,699,162, plus strand): 5'-GCTTGCACCTGGCATCCTCGTGCTCCTGTTTACCTTGGTGCAGAGGAGCAATGGGGAGTG[T>A]AAAGAGGCACTAGCAAAGTCCGAGATGAATGTGAATATGAAGTATCAGCTTCCCAACTTC-3'